The following is an entry in ClinVar:

ClinVar aggregate classification (germline): Uncertain significance. Review status: criteria provided, multiple submitters, no conflicts (2 of 4 stars). 3 submissions from 3 submitters: Uncertain significance (3). Last evaluated 2024-11-12.

Conditions:
Knobloch syndrome (KNO). Also called: RETINAL DETACHMENT AND OCCIPITAL ENCEPHALOCELE; Myopia retinal detachment encephalocele. Identifiers: Orphanet 1571, MedGen C1849409, MONDO:0800166.

Allele frequency attached by ClinVar (database versions not stated): ExAC below 0.00001; gnomAD 0.00004 and 0.00005; gnomAD exomes 0.00005 and 0.00007; TOPMed 0.00006.
gnomAD v4.1: 75 of 1,558,842 alleles (0.0048%); highest among the groups gnomAD compares: Middle Eastern, 0.066%; no homozygotes.

Submissions (3):

Blueprint Genetics
Classification: Uncertain significance. Last evaluated: 2024-11-12. Review status: criteria provided, single submitter. Criteria: ACMG Guidelines, 2015. Collection method: clinical testing. Allele origin: germline.

Labcorp Genetics (formerly Invitae), Labcorp
Classification: Uncertain significance. Last evaluated: 2022-10-24. Review status: criteria provided, single submitter. Criteria: Invitae Variant Classification Sherloc (09022015). Collection method: clinical testing. Allele origin: germline.
Comment: This sequence change replaces glycine, which is neutral and non-polar, with aspartic acid, which is acidic and polar, at codon 760 of the COL18A1 protein (p.Gly760Asp). This variant is present in population databases (rs770537257, gnomAD 0.01%). This variant has not been reported in the literature in individuals affected with COL18A1-related conditions. ClinVar contains an entry for this variant (Variation ID: 340241). Experimental studies and prediction algorithms are not available or were not evaluated, and the functional significance of this variant is currently unknown. In summary, the available evidence is currently insufficient to determine the role of this variant in disease. Therefore, it has been classified as a Variant of Uncertain Significance.

Illumina Laboratory Services, Illumina
Classification: Uncertain significance for Knobloch syndrome 1. Last evaluated: 2018-01-13. Review status: criteria provided, single submitter. Criteria: ICSL Variant Classification Criteria 13 December 2019. Collection method: clinical testing. Allele origin: germline.

NM_001379500.1(COL18A1):c.2279G>A (p.Gly760Asp)

Gene: COL18A1 (collagen type XVIII alpha 1 chain; plus strand). Cytogenetic location: 21q22.3.
Variant type: single nucleotide variant.
Coding change: c.2279G>A on transcript NM_001379500.1 (MANE Select); coding-DNA position 2279, G replaced by A.
Protein change: p.Gly760Asp; replaces glycine 760 with aspartic acid.
Molecular consequence: missense variant.
Genome position (GRCh38, 1-based): chr21:45,493,502, G>A. VCF-style: chr21-45493502-G-A. GRCh37 (hg19) VCF-style: chr21-46913416-G-A.
Other names: NM_130445.2:c.2279G>A; c.2819G>A, p.Gly940Asp (NM_030582.4); c.3524G>A, p.Gly1175Asp (NM_130444.3); short protein forms G940D, G1175D.
Identifiers: ClinVar variation 340241 (VCV000340241.8), dbSNP rs770537257, ClinGen allele CA10066976.
Genomic context (GRCh38, chr21:45,493,502, plus strand): 5'-GGTGAGGCTTTGTGGGGAAGGAGCTGGCCCTGACTCTGCTGGACCTCCTGCCATTCCAGG[G>A]TGAGAAGGGTGAACCGGGCAGCATCTTCAGCCCCGACGGCGGTGCCCTGGGCCCTGCCCA-3'
Protein context (NP_001366429.1, residues 750-770): KGERGSPGPK[Gly760Asp]EKGEPGSIFS